The following is an entry in ClinVar:

NM_001378615.1(CC2D2A):c.3414T>C (p.Asp1138=)

Genes: CC2D2A (coiled-coil and C2 domain containing 2A; plus strand), FBXL5 (F-box and leucine rich repeat protein 5; minus strand). Cytogenetic location: 4p15.32.
Variant type: single nucleotide variant.
Coding change: c.3414T>C on transcript NM_001378615.1 (MANE Select); coding-DNA position 3414, T replaced by C.
Protein change: p.Asp1138=; no amino-acid change (aspartic acid 1138 retained).
Molecular consequence: synonymous variant.
Genome position (GRCh38, 1-based): chr4:15,569,308, T>C. VCF-style: chr4-15569308-T-C. GRCh37 (hg19) VCF-style: chr4-15570931-T-C.
Other names: c.3414T>C, p.Asp1138= (NM_001080522.2); c.3267T>C, p.Asp1089= (NM_001378617.1).
Identifiers: ClinVar variation 1092667 (VCV001092667.34), dbSNP rs780482620, ClinGen allele CA2864169.

ClinVar aggregate classification (germline): Likely benign. Review status: criteria provided, multiple submitters, no conflicts (2 of 4 stars). 3 submissions from 3 submitters: Likely benign (2). 1 of the submissions does not count toward it. Last evaluated 2024-01-25.

Conditions:
Joubert syndrome. Also called: JOUBERT-BOLTSHAUSER SYNDROME; Familial aplasia of the vermis. Identifiers: Orphanet 475, MedGen C5979921, MONDO:0018772.
Meckel-Gruber syndrome. Also called: DYSENCEPHALIA SPLANCHNOCYSTICA; GRUBER SYNDROME; Dysencephalia splachnocystica. Identifiers: Orphanet 564, MedGen C0265215, MONDO:0018921.
CC2D2A-related disorder. Also called: CC2D2A-related disorders; CC2D2A-related condition. Identifiers: MedGen CN239313.

Allele frequency attached by ClinVar (database versions not stated): TOPMed below 0.00001; gnomAD 0.00001; gnomAD exomes 0.00001.

Submissions (3):

Labcorp Genetics (formerly Invitae), Labcorp
Classification: Likely benign for Joubert syndrome; Meckel-Gruber syndrome. Last evaluated: 2024-01-25. Review status: criteria provided, single submitter. Criteria: Invitae Variant Classification Sherloc (09022015). Collection method: clinical testing. Allele origin: germline.

CeGaT Center for Human Genetics Tuebingen
Classification: Likely benign. Last evaluated: 2023-10-01. Review status: criteria provided, single submitter. Criteria: CeGaT Center For Human Genetics Tuebingen Variant Classification Criteria Version 2. Collection method: clinical testing. Allele origin: germline. Affected: yes. Observed: 1 variant allele.
Comment: CC2D2A: BP4, BP7

PreventionGenetics, part of Exact Sciences
Classification: Likely benign for CC2D2A-related condition. Last evaluated: 2023-06-06. Review status: no assertion criteria provided. Collection method: clinical testing. Allele origin: germline. Not counted in ClinVar's aggregate classification.
Comment: This variant is classified as likely benign based on ACMG/AMP sequence variant interpretation guidelines (Richards et al. 2015 PMID: 25741868, with internal and published modifications).